The following is an entry in ClinVar:

NM_001197104.2(KMT2A):c.6051G>C (p.Leu2017Phe)

Gene: KMT2A (lysine methyltransferase 2A; plus strand). Cytogenetic location: 11q23.3.
Variant type: single nucleotide variant.
Coding change: c.6051G>C on transcript NM_001197104.2 (MANE Select); coding-DNA position 6051, G replaced by C.
Protein change: p.Leu2017Phe; replaces leucine 2017 with phenylalanine.
Molecular consequence: missense variant.
Genome position (GRCh38, 1-based): chr11:118,499,392, G>C. VCF-style: chr11-118499392-G-C. GRCh37 (hg19) VCF-style: chr11-118370107-G-C.
Other names: c.6141G>C, p.Leu2047Phe (NM_001412597.1); c.6042G>C, p.Leu2014Phe (NM_005933.4); short protein forms L2014F, L2017F, L2047F.
Identifiers: ClinVar variation 2736497 (VCV002736497.3), dbSNP rs2496969548, ClinGen allele CA382799415.

ClinVar aggregate classification (germline): Uncertain significance (1 of 4 stars; one submission).

Submission:

Labcorp Genetics (formerly Invitae), Labcorp
Classification: Uncertain significance. Last evaluated: 2025-04-07. Review status: criteria provided, single submitter. Criteria: Invitae Variant Classification Sherloc (09022015). Collection method: clinical testing. Allele origin: germline.
Comment: This sequence change replaces leucine, which is neutral and non-polar, with phenylalanine, which is neutral and non-polar, at codon 2017 of the KMT2A protein (p.Leu2017Phe). This variant is not present in population databases (gnomAD no frequency). This variant has not been reported in the literature in individuals affected with KMT2A-related conditions. ClinVar contains an entry for this variant (Variation ID: 2736497). Invitae Evidence Modeling of protein sequence and biophysical properties (such as structural, functional, and spatial information, amino acid conservation, physicochemical variation, residue mobility, and thermodynamic stability) has been performed for this missense variant. However, the output from this modeling did not meet the statistical confidence thresholds required to predict the impact of this variant on KMT2A protein function. In summary, the available evidence is currently insufficient to determine the role of this variant in disease. Therefore, it has been classified as a Variant of Uncertain Significance.